The following is an entry in ClinVar:

NM_017838.4(NHP2):c.160+4A>C

Gene: NHP2 (NHP2 ribonucleoprotein; minus strand). Cytogenetic location: 5q35.3.
Variant type: single nucleotide variant.
Coding change: c.160+4A>C on transcript NM_017838.4 (MANE Select); 4 bases into the intron after coding-DNA position 160, A replaced by C.
Molecular consequence: intron variant.
Genome position (GRCh38, 1-based): chr5:178,153,654, T>G on the plus strand (A>C on the coding strand, the complement: NHP2 is on the minus strand). VCF-style: chr5-178153654-T-G. GRCh37 (hg19) VCF-style: chr5-177580655-T-G.
Other names: c.160+4A>C (NM_001034833.2).
Identifiers: ClinVar variation 529181 (VCV000529181.4), dbSNP rs1419452406, ClinGen allele CA658796696.

ClinVar aggregate classification (germline): Uncertain significance (1 of 4 stars; one submission).

Conditions:
Dyskeratosis congenita. Identifiers: Orphanet 1775, MedGen C0265965, MONDO:0015780.

Allele frequency attached by ClinVar (database versions not stated): TOPMed 0.00001.
gnomAD v4.1: 7 of 1,613,464 alleles (0.00043%); highest among the groups gnomAD compares: South Asian, 0.0011%; no homozygotes.

Submission:

Labcorp Genetics (formerly Invitae), Labcorp
Classification: Uncertain significance for Dyskeratosis congenita. Last evaluated: 2020-01-24. Review status: criteria provided, single submitter. Criteria: Invitae Variant Classification Sherloc (09022015). Collection method: clinical testing. Allele origin: germline.
Comment: This sequence change falls in intron 1 of the NHP2 gene. It does not directly change the encoded amino acid sequence of the NHP2 protein, but it affects a nucleotide within the consensus splice site of the intron. This variant is not present in population databases (ExAC no frequency). This variant has not been reported in the literature in individuals with NHP2-related disease. Nucleotide substitutions within the consensus splice site are a relatively common cause of aberrant splicing (PMID: 17576681, 9536098). Algorithms developed to predict the effect of sequence changes on RNA splicing suggest that this variant is not likely to affect RNA splicing, but this prediction has not been confirmed by published transcriptional studies. In summary, the available evidence is currently insufficient to determine the role of this variant in disease. Therefore, it has been classified as a Variant of Uncertain Significance.

Literature cited by the submitters: PubMed 17576681; PubMed 9536098.